The following is an entry in ClinVar:

ClinVar aggregate classification (germline): Uncertain significance. Review status: criteria provided, multiple submitters, no conflicts (2 of 4 stars). 3 submissions from 3 submitters: Uncertain significance (3). Last evaluated 2022-09-19.

Conditions:
HNSHA due to aldolase A deficiency (GSD12). Also called: Glycogen storage disease due to aldolase A deficiency; GLYCOGEN STORAGE DISEASE XII; GSD XII; RED CELL ALDOLASE DEFICIENCY. Identifiers: Orphanet 57, MedGen C0272066, MONDO:0012747, OMIM 611881.

Allele frequency attached by ClinVar (database versions not stated): ExAC 0.00003; gnomAD exomes 0.00003; ESP Exome Variant Server 0.00023.
gnomAD v4.1: 24 of 1,613,736 alleles (0.0015%); highest among the groups gnomAD compares: African/African-American, 0.028%; no homozygotes.

Submissions (3):

Revvity Omics, Revvity
Classification: Uncertain significance for HNSHA due to aldolase A deficiency. Last evaluated: 2022-09-19. Review status: criteria provided, single submitter. Criteria: ACMG Guidelines, 2015. Collection method: clinical testing. Allele origin: germline.

Mayo Clinic Laboratories, Mayo Clinic
Classification: Uncertain significance. Last evaluated: 2022-08-24. Review status: criteria provided, single submitter. Criteria: ACMG Guidelines, 2015. Collection method: clinical testing. Allele origin: germline. Observed: 3 variant alleles.
Comment: PM2

Labcorp Genetics (formerly Invitae), Labcorp
Classification: Uncertain significance for HNSHA due to aldolase A deficiency. Last evaluated: 2022-06-17. Review status: criteria provided, single submitter. Criteria: Invitae Variant Classification Sherloc (09022015). Collection method: clinical testing. Allele origin: germline.
Comment: This sequence change replaces alanine, which is neutral and non-polar, with serine, which is neutral and polar, at codon 323 of the ALDOA protein (p.Ala323Ser). This variant is present in population databases (rs148828956, gnomAD 0.04%). This variant has not been reported in the literature in individuals affected with ALDOA-related conditions. ClinVar contains an entry for this variant (Variation ID: 1163979). Algorithms developed to predict the effect of missense changes on protein structure and function (SIFT, PolyPhen-2, Align-GVGD) all suggest that this variant is likely to be tolerated. In summary, the available evidence is currently insufficient to determine the role of this variant in disease. Therefore, it has been classified as a Variant of Uncertain Significance.

NM_001243177.4(ALDOA):c.1129G>T (p.Ala377Ser)

Genes: ALDOA (aldolase, fructose-bisphosphate A; plus strand), LOC112694756 (uncharaterized LOC112694756; plus strand). Cytogenetic location: 16p11.2.
Variant type: single nucleotide variant.
Coding change: c.1129G>T on transcript NM_001243177.4 (MANE Select); coding-DNA position 1129, G replaced by T.
Protein change: p.Ala377Ser; replaces alanine 377 with serine.
Molecular consequence: missense variant. On other transcripts: 3 prime UTR variant (3).
Genome position (GRCh38, 1-based): chr16:30,069,997, G>T. VCF-style: chr16-30069997-G-T. GRCh37 (hg19) VCF-style: chr16-30081318-G-T.
Other names: NM_000034.3:c.967G>T; c.*1476G>T (NM_001365304.2, NM_001365305.2, NM_001365307.2); c.967G>T, p.Ala323Ser (NM_001127617.2, NM_184041.5, NM_184043.2); short protein forms A323S, A377S.
Identifiers: ClinVar variation 1163979 (VCV001163979.10), dbSNP rs148828956, ClinGen allele CA8001208.
Genomic context (GRCh38, chr16:30,069,997, plus strand): 5'-GGCCGAGCCCTGCAGGCCTCTGCCCTGAAGGCCTGGGGCGGGAAGAAGGAGAACCTGAAG[G>T]CTGCGCAGGAGGAGTATGTCAAGCGAGCCCTGGTAAGGATAGGCAGGAGGTGGGCAGGGT-3'
Protein context (NP_001230106.1, residues 367-387): AWGGKKENLK[Ala377Ser]AQEEYVKRAL